The following is an entry in ClinVar:

NM_001458.5(FLNC):c.3212G>C (p.Gly1071Ala)

Gene: FLNC (filamin C; plus strand). Cytogenetic location: 7q32.1.
Variant type: single nucleotide variant.
Coding change: c.3212G>C on transcript NM_001458.5 (MANE Select); coding-DNA position 3212, G replaced by C.
Protein change: p.Gly1071Ala; replaces glycine 1071 with alanine.
Molecular consequence: missense variant.
Genome position (GRCh38, 1-based): chr7:128,844,677, G>C. VCF-style: chr7-128844677-G-C. GRCh37 (hg19) VCF-style: chr7-128484731-G-C.
Other names: c.3212G>C, p.Gly1071Ala (NM_001127487.2); short protein forms G1071A.
Identifiers: ClinVar variation 2250499 (VCV002250499.3), dbSNP rs1808478869, ClinGen allele CA369196141.

ClinVar aggregate classification (germline): Uncertain significance. Review status: criteria provided, multiple submitters, no conflicts (2 of 4 stars). 2 submissions from 2 submitters: Uncertain significance (2). Last evaluated 2022-10-10.

Conditions:
Cardiovascular phenotype. Identifiers: MedGen CN230736.

Submissions (2):

GeneDx
Classification: Uncertain significance. Last evaluated: 2022-10-10. Review status: criteria provided, single submitter. Criteria: GeneDx Variant Classification Process June 2021. Collection method: clinical testing. Allele origin: germline. Affected: yes.
Comment: Not observed at significant frequency in large population cohorts (gnomAD); In silico analysis supports that this missense variant has a deleterious effect on protein structure/function; Has not been previously published as pathogenic or benign to our knowledge

Ambry Genetics
Classification: Uncertain significance for Cardiovascular phenotype. Last evaluated: 2021-09-16. Review status: criteria provided, single submitter. Criteria: Ambry Variant Classification Scheme 2023. Collection method: clinical testing. Allele origin: germline.